The following is an entry in ClinVar:

ClinVar aggregate classification (germline): Uncertain significance (1 of 4 stars; one submission).

Conditions:
Hereditary cancer-predisposing syndrome. Also called: Neoplastic Syndromes, Hereditary; Tumor predisposition; Hereditary Cancer Syndrome; Hereditary neoplastic syndrome. Identifiers: Orphanet 140162, MedGen C0027672, MeSH D009386, MONDO:0015356.

Submission:

Ambry Genetics
Classification: Uncertain significance for Hereditary cancer-predisposing syndrome. Last evaluated: 2024-05-20. Review status: criteria provided, single submitter. Criteria: Ambry Variant Classification Scheme 2023. Collection method: clinical testing. Allele origin: germline.
Comment: The p.A227V variant (also known as c.680C>T), located in coding exon 3 of the PHOX2B gene, results from a C to T substitution at nucleotide position 680. The alanine at codon 227 is replaced by valine, an amino acid with similar properties. This amino acid position is conserved. In addition, this alteration is predicted to be tolerated by in silico analysis. Since supporting evidence is limited at this time, the clinical significance of this alteration remains unclear.

NM_003924.4(PHOX2B):c.680C>T (p.Ala227Val)

Gene: PHOX2B (paired like homeobox 2B; minus strand). Cytogenetic location: 4p13.
Variant type: single nucleotide variant.
Coding change: c.680C>T on transcript NM_003924.4 (MANE Select); coding-DNA position 680, C replaced by T.
Protein change: p.Ala227Val; replaces alanine 227 with valine.
Molecular consequence: missense variant.
Genome position (GRCh38, 1-based): chr4:41,746,072, G>A on the plus strand (C>T on the coding strand, the complement: PHOX2B is on the minus strand). VCF-style: chr4-41746072-G-A. GRCh37 (hg19) VCF-style: chr4-41748089-G-A.
Other names: short protein forms A227V.
Identifiers: ClinVar variation 1755564 (VCV001755564.3), dbSNP rs779913205, ClinGen allele CA2901455.